The following is an entry in ClinVar:

NM_006846.4(SPINK5):c.3112A>G (p.Thr1038Ala)

Gene: SPINK5 (serine peptidase inhibitor Kazal type 5; plus strand). Cytogenetic location: 5q32.
Variant type: single nucleotide variant.
Coding change: c.3112A>G on transcript NM_006846.4 (MANE Select); coding-DNA position 3112, A replaced by G.
Protein change: p.Thr1038Ala; replaces threonine 1038 with alanine.
Molecular consequence: missense variant.
Genome position (GRCh38, 1-based): chr5:148,133,813, A>G. VCF-style: chr5-148133813-A-G. GRCh37 (hg19) VCF-style: chr5-147513376-A-G.
Other names: c.3112A>G (NM_006846.3); c.3202A>G, p.Thr1068Ala (NM_001127698.2); short protein forms T1038A, T1068A.
Identifiers: ClinVar variation 1373913 (VCV001373913.7), dbSNP rs753654044, ClinGen allele CA3496256.
Genomic context (GRCh38, chr5:148,133,813, plus strand): 5'-CTGAGAACTTCCTCGTTGTTGAAGCATCCTCTGATCTGTTTTAGGATACGCCAAACAAAT[A>G]CACACATCCGCAGTACAGGGAAGTGTGAGGAGAGCAGCACCCCAGGAACCACCGCAGCCA-3'
Protein context (NP_006837.2, residues 1028-1048): CHENLIRQTN[Thr1038Ala]HIRSTGKCEE

ClinVar aggregate classification (germline): Uncertain significance. Review status: criteria provided, multiple submitters, no conflicts (2 of 4 stars). 2 submissions from 2 submitters: Uncertain significance (2). Last evaluated 2024-10-17.

Conditions:
Inborn genetic diseases. Identifiers: MedGen C0950123, MeSH D030342.
Ichthyosis linearis circumflexa. Identifiers: MedGen C0265962, MONDO:0043106, HP:0025810.

Allele frequency attached by ClinVar (database versions not stated): ExAC 0.00001; gnomAD exomes 0.00001 and 0.00002.
gnomAD v4.1: 4 of 1,613,994 alleles (0.00025%); highest among the groups gnomAD compares: East Asian, 0.0089%; no homozygotes.

Submissions (2):

Ambry Genetics
Classification: Uncertain significance for Inborn genetic diseases. Last evaluated: 2024-10-17. Review status: criteria provided, single submitter. Criteria: Ambry Variant Classification Scheme 2023. Collection method: clinical testing. Allele origin: germline.

Labcorp Genetics (formerly Invitae), Labcorp
Classification: Uncertain significance for Ichthyosis linearis circumflexa. Last evaluated: 2023-11-17. Review status: criteria provided, single submitter. Criteria: Invitae Variant Classification Sherloc (09022015). Collection method: clinical testing. Allele origin: germline.
Comment: This sequence change replaces threonine, which is neutral and polar, with alanine, which is neutral and non-polar, at codon 1038 of the SPINK5 protein (p.Thr1038Ala). This variant is present in population databases (rs753654044, gnomAD 0.02%). This variant has not been reported in the literature in individuals affected with SPINK5-related conditions. ClinVar contains an entry for this variant (Variation ID: 1373913). An algorithm developed to predict the effect of missense changes on protein structure and function (PolyPhen-2) suggests that this variant is likely to be disruptive. In summary, the available evidence is currently insufficient to determine the role of this variant in disease. Therefore, it has been classified as a Variant of Uncertain Significance.